The following is an entry in ClinVar:

ClinVar aggregate classification (germline): Pathogenic (1 of 4 stars; one submission).

Submission:

Labcorp Genetics (formerly Invitae), Labcorp
Classification: Pathogenic. Last evaluated: 2024-05-01. Review status: criteria provided, single submitter. Criteria: Invitae Variant Classification Sherloc (09022015). Collection method: clinical testing. Allele origin: germline.
Comment: This sequence change creates a premature translational stop signal (p.Leu1350*) in the ALPK3 gene. It is expected to result in an absent or disrupted protein product. Loss-of-function variants in ALPK3 are known to be pathogenic (PMID: 21441111, 26846950, 27106955, 34263907). This variant is not present in population databases (gnomAD no frequency). This variant has not been reported in the literature in individuals affected with ALPK3-related conditions. For these reasons, this variant has been classified as Pathogenic.

Literature cited by the submitters: PubMed 21441111; PubMed 26846950; PubMed 27106955; PubMed 34263907.

NM_020778.5(ALPK3):c.3441del (p.Ala1147_Leu1148insTer)

Gene: ALPK3 (alpha kinase 3; plus strand). Cytogenetic location: 15q25.3.
Variant type: Deletion.
Coding change: c.3441del on transcript NM_020778.5 (MANE Select); coding-DNA position 3441, one base deleted (T; older notation c.3441delT).
Protein change: p.Ala1147_Leu1148insTer.
Molecular consequence: frameshift variant.
Genome position (GRCh38, 1-based): chr15:84,858,179, T deleted. VCF-style (leftmost placement, unchanged base first): chr15-84858178-CT-C. GRCh37 (hg19) VCF-style: chr15-85401409-CT-C.
Identifiers: ClinVar variation 2694356 (VCV002694356.3), dbSNP rs2505722050, ClinGen allele CA2697549276.